The following is an entry in ClinVar:

ClinVar aggregate classification (germline): Likely benign (1 of 4 stars; one submission).

gnomAD v4.1: 3 of 1,614,050 alleles (0.00019%); highest among the groups gnomAD compares: Non-Finnish European, 0.00025%; no homozygotes.

Submission:

CeGaT Center for Human Genetics Tuebingen
Classification: Likely benign. Last evaluated: 2026-01-01. Review status: criteria provided, single submitter. Criteria: CeGaT Center For Human Genetics Tuebingen Variant Classification Criteria Version 2. Collection method: clinical testing. Allele origin: germline. Affected: yes. Observed: 1 variant allele.
Comment: ARID2: BP4, BP7

NM_152641.4(ARID2):c.5202G>C (p.Val1734=)

Gene: ARID2 (AT-rich interaction domain 2; plus strand). Cytogenetic location: 12q12.
Variant type: single nucleotide variant.
Coding change: c.5202G>C on transcript NM_152641.4 (MANE Select); coding-DNA position 5202, G replaced by C.
Protein change: p.Val1734=; no amino-acid change (valine 1734 retained).
Molecular consequence: synonymous variant.
Genome position (GRCh38, 1-based): chr12:45,893,474, G>C. VCF-style: chr12-45893474-G-C. GRCh37 (hg19) VCF-style: chr12-46287257-G-C.
Other names: c.5202G>C, p.Val1734= (NM_001347839.2).
Identifiers: ClinVar variation 4821453 (VCV004821453.4).
Genomic context (GRCh38, chr12:45,893,474, plus strand): 5'-ATTTAGGCAGCCAACTGTAGGGGGCACAAGCTCAACTCCTAGAGCACAAAAGGCCATTGT[G>C]AATCATCCCAGTGCTGCACTTATGGCTCTGAGGAGAGGATCAAGAAACCTTGTCTTTCGA-3'
Protein context (NP_689854.2, residues 1724-1744): SSTPRAQKAI[Val1734=]NHPSAALMAL